The following is an entry in ClinVar:

ClinVar aggregate classification (germline): Uncertain significance. Review status: criteria provided, multiple submitters, no conflicts (2 of 4 stars). 6 submissions from 6 submitters: Uncertain significance (5). 1 of the submissions does not count toward it. Last evaluated 2026-07-14.

Conditions:
SCYL1-related disorder. Also called: SCYL1-related condition.
Inborn genetic diseases. Identifiers: MedGen C0950123, MeSH D030342.

Allele frequency attached by ClinVar (database versions not stated): ESP Exome Variant Server 0.00008; gnomAD 0.00011 and 0.00012; gnomAD exomes 0.00014 and 0.00021; TOPMed 0.00014; ExAC 0.00015.
gnomAD v4.1: 310 of 1,613,936 alleles (0.019%); highest among the groups gnomAD compares: Non-Finnish European, 0.025%; no homozygotes.

Submissions (6):

PreventionGenetics, part of Exact Sciences
Classification: Uncertain significance for SCYL1-related condition. Last evaluated: 2026-07-14. Review status: criteria provided, single submitter. Criteria: ACMG Guidelines, 2015. Collection method: clinical testing. Allele origin: germline.
Comment: The SCYL1 c.928C>T variant is predicted to result in the amino acid substitution p.Arg310Trp. To our knowledge, this variant has not been reported in the literature. This variant is reported in 0.025% of alleles in individuals of European (non-Finnish) descent in gnomAD. At this time, the clinical significance of this variant is uncertain due to the absence of conclusive functional and genetic evidence.

Ambry Genetics
Classification: Uncertain significance for Inborn genetic diseases. Last evaluated: 2025-07-31. Review status: criteria provided, single submitter. Criteria: Ambry Variant Classification Scheme 2023. Collection method: clinical testing. Allele origin: germline.

Labcorp Genetics (formerly Invitae), Labcorp
Classification: Uncertain significance. Last evaluated: 2024-01-19. Review status: criteria provided, single submitter. Criteria: Invitae Variant Classification Sherloc (09022015). Collection method: clinical testing. Allele origin: germline.
Comment: This sequence change replaces arginine, which is basic and polar, with tryptophan, which is neutral and slightly polar, at codon 310 of the SCYL1 protein (p.Arg310Trp). This variant is present in population databases (rs370521030, gnomAD 0.03%). This variant has not been reported in the literature in individuals affected with SCYL1-related conditions. ClinVar contains an entry for this variant (Variation ID: 1049140). An algorithm developed to predict the effect of missense changes on protein structure and function (PolyPhen-2) suggests that this variant is likely to be disruptive. In summary, the available evidence is currently insufficient to determine the role of this variant in disease. Therefore, it has been classified as a Variant of Uncertain Significance.

GeneDx
Classification: Uncertain significance. Last evaluated: 2023-06-20. Review status: criteria provided, single submitter. Criteria: GeneDx Variant Classification Process June 2021. Collection method: clinical testing. Allele origin: germline. Affected: yes.
Comment: In silico analysis supports that this missense variant has a deleterious effect on protein structure/function; Has not been previously published as pathogenic or benign to our knowledge

Blueprint Genetics
Classification: Uncertain significance. Last evaluated: 2023-01-16. Review status: criteria provided, single submitter. Criteria: ACMG Guidelines, 2015. Collection method: clinical testing. Allele origin: germline.

Department of Pathology and Laboratory Medicine, Sinai Health System
Classification: Uncertain significance. Review status: no assertion criteria provided. Collection method: clinical testing. Allele origin: unknown. Affected: yes. Study: The Canadian Open Genetics Repository (COGR). Not counted in ClinVar's aggregate classification.
Comment: The SCYL1 p.Arg310Trp variant was not identified in the literature nor was it identified in ClinVar or LOVD 3.0. The variant was identified in dbSNP (ID: rs370521030) and Cosmic (FATHMM prediction=pathogenic; score 0.89). The variant was also identified in control databases in 36 of 280788 chromosomes at a frequency of 0.000128 (Genome Aggregation Database Feb 27, 2017). The variant was observed in the following populations: European (non-Finnish) in 32 of 128618 chromosomes (freq: 0.000249), African in 1 of 24182 chromosomes (freq: 0.000041), European (Finnish) in 1 of 25010 chromosomes (freq: 0.00004), South Asian in 1 of 30598 chromosomes (freq: 0.000033) and Latino in 1 of 35352 chromosomes (freq: 0.000028), while the variant was not observed in the Ashkenazi Jewish, East Asian or Other populations. The p.Arg310 residue is conserved in mammals but not in more distantly related organisms, and four out of five computational analyses (PolyPhen-2, SIFT, AlignGVGD, BLOSUM, MutationTaster) suggest that the variant may impact the protein; however, this information is not predictive enough to assume pathogenicity. The variant occurs outside of the splicing consensus sequence and three of four in silico or computational prediction software programs (SpliceSiteFinder, MaxEntScan, NNSPLICE, GeneSplicer) do not predict a greater than 10% difference in splicing. In summary, based on the above information the clinical significance of this variant cannot be determined with certainty at this time. This variant is classified as a variant of uncertain significance.

NM_020680.4(SCYL1):c.928C>T (p.Arg310Trp)

Gene: SCYL1 (SCY1 like pseudokinase 1; plus strand). Cytogenetic location: 11q13.1.
Variant type: single nucleotide variant.
Coding change: c.928C>T on transcript NM_020680.4 (MANE Select); coding-DNA position 928, C replaced by T.
Protein change: p.Arg310Trp; replaces arginine 310 with tryptophan.
Molecular consequence: missense variant.
Genome position (GRCh38, 1-based): chr11:65,530,707, C>T. VCF-style: chr11-65530707-C-T. GRCh37 (hg19) VCF-style: chr11-65298178-C-T.
Other names: c.928C>T, p.Arg310Trp (NM_001048218.2); short protein forms R310W.
Identifiers: ClinVar variation 1049140 (VCV001049140.13), dbSNP rs370521030, ClinGen allele CA6099648.